The following is an entry in ClinVar:

ClinVar aggregate classification (germline): Pathogenic (1 of 4 stars; one submission).

Conditions:
Cardiovascular phenotype. Identifiers: MedGen CN230736.

Submission:

Ambry Genetics
Classification: Pathogenic for Cardiovascular phenotype. Last evaluated: 2025-06-23. Review status: criteria provided, single submitter. Criteria: Ambry Variant Classification Scheme 2023. Collection method: clinical testing. Allele origin: germline.
Comment: The c.1460_1463dupGCCG pathogenic mutation, located in coding exon 6 of the KCNH2 gene, results from a duplication of GCCG at nucleotide position 1460, causing a translational frameshift with a predicted alternate stop codon (p.I489Pfs*31). This variant is considered to be rare based on population cohorts in the Genome Aggregation Database (gnomAD). This alteration is expected to result in loss of function by premature protein truncation or nonsense-mediated mRNA decay. As such, this alteration is interpreted as a disease-causing mutation.

NM_000238.4(KCNH2):c.1460_1463dup (p.Ile489fs)

Gene: KCNH2 (potassium voltage-gated channel subfamily H member 2; minus strand). Cytogenetic location: 7q36.1.
Variant type: Duplication.
Coding change: c.1460_1463dup on transcript NM_000238.4 (MANE Select); coding-DNA positions 1460 to 1463, 4 bases duplicated (GCCG; older notation c.1460_1463dupGCCG).
Protein change: p.Ile489fs; shifts the reading frame from isoleucine 489.
Molecular consequence: frameshift variant. On other transcripts: non-coding transcript variant (2).
Genome position (GRCh38, 1-based): chr7:150,952,519-150,952,522, CGGC duplicated on the plus strand (GCCG on the coding strand, the reverse complement: KCNH2 is on the minus strand); duplicating any 4 consecutive bases within chr7:150,952,519-150,952,525 gives the same sequence; the c. name uses the placement nearest the transcript's 3' end. VCF-style (leftmost placement, unchanged base first): chr7-150952518-G-GCGGC. GRCh37 (hg19) VCF-style: chr7-150649606-G-GCGGC.
Other names: c.440_443dup, p.Ile149fs (NM_001204798.2, NM_172057.3); c.1172_1175dup, p.Ile393fs (NM_001406753.1, NM_001406756.1); c.1460_1463dupGCCG (NM_000238.3); c.1283_1286dup, p.Ile430fs (NM_001406755.1); c.1160_1163dup, p.Ile389fs (NM_001406757.1); c.1460_1463dup, p.Ile489fs (NM_172056.3); short protein forms I430fs, I489fs, I149fs, I389fs, I393fs.
Identifiers: ClinVar variation 4090314 (VCV004090314.1).